The following is an entry in ClinVar:

NM_001710.6(CFB):c.1547T>C (p.Val516Ala)

Gene: CFB (complement factor B; plus strand). Cytogenetic location: 6p21.33.
Variant type: single nucleotide variant.
Coding change: c.1547T>C on transcript NM_001710.6 (MANE Select); coding-DNA position 1547, T replaced by C.
Protein change: p.Val516Ala; replaces valine 516 with alanine.
Molecular consequence: missense variant.
Genome position (GRCh38, 1-based): chr6:31,950,326, T>C. VCF-style: chr6-31950326-T-C. GRCh37 (hg19) VCF-style: chr6-31918103-T-C.
Other names: short protein forms V516A.
Identifiers: ClinVar variation 3900573 (VCV003900573.1).

ClinVar aggregate classification (germline): Uncertain significance (1 of 4 stars; one submission).

Submission:

GeneDx
Classification: Uncertain significance. Last evaluated: 2024-11-20. Review status: criteria provided, single submitter. Criteria: GeneDx Variant Classification Process June 2021. Collection method: clinical testing. Allele origin: germline. Affected: yes.
Comment: Not observed at significant frequency in large population cohorts (gnomAD); In silico analysis supports that this missense variant has a deleterious effect on protein structure/function; Has not been previously published as pathogenic or benign to our knowledge